The following is an entry in ClinVar:

ClinVar aggregate classification (germline): Uncertain significance (1 of 4 stars; one submission).

Conditions:
Holoprosencephaly 3 (HPE3). Identifiers: Orphanet 2162, MedGen C1840529, MONDO:0007733, OMIM 142945.

Allele frequency attached by ClinVar (database versions not stated): TOPMed below 0.00001; gnomAD 0.00003; 1000 Genomes Project 30x 0.00016.
gnomAD v4.1: 4 of 152,226 alleles (0.0026%); highest among the groups gnomAD compares: South Asian, 0.041%; no homozygotes.

Submission:

Labcorp Genetics (formerly Invitae), Labcorp
Classification: Uncertain significance for Holoprosencephaly 3. Last evaluated: 2023-08-27. Review status: criteria provided, single submitter. Criteria: Invitae Variant Classification Sherloc (09022015). Collection method: clinical testing. Allele origin: germline.
Comment: Experimental studies and prediction algorithms are not available or were not evaluated, and the functional significance of this variant is currently unknown. In summary, the available evidence is currently insufficient to determine the role of this variant in disease. Therefore, it has been classified as a Variant of Uncertain Significance. This variant has not been reported in the literature in individuals affected with SHH-related conditions. This variant occurs in a non-coding region of the SHH gene. It does not change the encoded amino acid sequence of the SHH protein. This variant is present in population databases (rs749774536, gnomAD 0.01%).

NC_000007.14:g.156764191G>A

Genes: LMBR1 (limb development membrane protein 1; minus strand), SHH (sonic hedgehog signaling molecule; minus strand). Cytogenetic location: 7q36.3.
Variant type: single nucleotide variant.
Molecular consequence: intron variant (on NM_022458.4).
Genome position: GRCh38 VCF-style: chr7-156764191-G-A. GRCh37 (hg19) VCF-style: chr7-156556885-G-A.
Other names: c.361-396C>T (NM_001363412.2); c.145-396C>T (NM_001350954.2); c.424-396C>T (NM_001363410.2, NM_022458.4, NM_001363409.2 and 1 more transcripts); c.-33-396C>T (NM_001350958.2, NM_001350956.2, NM_001350955.2 and 1 more transcripts); c.55-396C>T (NM_001350957.2, NM_001363411.2).
Identifiers: ClinVar variation 2878718 (VCV002878718.3), dbSNP rs749774536, ClinGen allele CA169820370.